The following is an entry in ClinVar:

NM_007294.4(BRCA1):c.5278-1519A>G

Gene: BRCA1 (BRCA1 DNA repair associated; minus strand). Cytogenetic location: 17q21.31.
Variant type: single nucleotide variant.
Coding change: c.5278-1519A>G on transcript NM_007294.4 (MANE Select); 1519 bases into the intron before coding-DNA position 5278, A replaced by G.
Molecular consequence: intron variant.
Genome position (GRCh38, 1-based): chr17:43,052,636, T>C on the plus strand (A>G on the coding strand, the complement: BRCA1 is on the minus strand). VCF-style: chr17-43052636-T-C. GRCh37 (hg19) VCF-style: chr17-41204653-T-C.
Other names: IVS 20-1519A>G; c.1825-1519A>G (NM_001408458.1, NM_001408461.1, NM_001408464.1 and 7 more transcripts); c.4387-1519A>G (NM_001407967.1); c.4897-1519A>G (NM_001407959.1); c.5011-1519A>G (NM_001407931.1, NM_001407932.1, NM_001407928.1 and 4 more transcripts); c.5134-1519A>G (NM_001407747.1, NM_001407745.1, NM_001407737.1 and 21 more transcripts); c.4894-1519A>G (NM_001407962.1, NM_001407960.1); c.1465-1519A>G (NM_001408512.1); and 75 more.
Identifiers: ClinVar variation 209268 (VCV000209268.2), dbSNP rs114112971, ClinGen allele CA276240.

ClinVar aggregate classification (germline): Benign (3 of 4 stars; one submission).

Conditions:
Breast-ovarian cancer, familial, susceptibility to, 1 (BROVCA1). Also called: BRCA1 Hereditary Breast and Ovarian Cancer; OVARIAN CANCER, SUSCEPTIBILITY TO. Identifiers: Orphanet 145, MedGen C2676676, MONDO:0011450, OMIM 604370. Disease mechanism: loss of function.

Allele frequency attached by ClinVar (database versions not stated): gnomAD 0.00951 and 0.01021; 1000 Genomes Project 0.01058; TOPMed 0.01111; 1000 Genomes Project 30x 0.01171.
gnomAD v4.1: 1,435 of 152,060 alleles (0.94%); highest among the groups gnomAD compares: African/African-American, 3.3%; 19 homozygotes.

Submission:

Evidence-based Network for the Interpretation of Germline Mutant Alleles (ENIGMA)
Classification: Benign for Breast-ovarian cancer, familial 1. Last evaluated: 2015-01-12. Review status: reviewed by expert panel. Criteria: ENIGMA BRCA1/2 Classification Criteria (2015). Collection method: curation. Allele origin: germline.
Comment: Class 1 not pathogenic based on frequency >1% in an outbred sampleset. Frequency 0.06301 (African), derived from 1000 genomes (2012-04-30).